The following is an entry in ClinVar:

NM_020778.5(ALPK3):c.4094-1G>C

Gene: ALPK3 (alpha kinase 3; plus strand). Cytogenetic location: 15q25.3.
Variant type: single nucleotide variant.
Coding change: c.4094-1G>C on transcript NM_020778.5 (MANE Select); the canonical splice acceptor site of the intron before coding-DNA position 4094, G replaced by C.
Molecular consequence: splice acceptor variant.
Genome position (GRCh38, 1-based): chr15:84,860,036, G>C. VCF-style: chr15-84860036-G-C. GRCh37 (hg19) VCF-style: chr15-85403267-G-C.
Identifiers: ClinVar variation 3618390 (VCV003618390.3).

ClinVar aggregate classification (germline): Likely pathogenic. Review status: criteria provided, multiple submitters, no conflicts (2 of 4 stars). 2 submissions from 2 submitters: Likely pathogenic (2). Last evaluated 2025-01-19.

gnomAD v4.1: 1 of 1,614,152 alleles (0.000062%); highest among the groups gnomAD compares: Non-Finnish European, 0.000085%; no homozygotes.

Submissions (2):

Labcorp Genetics (formerly Invitae), Labcorp
Classification: Likely pathogenic. Last evaluated: 2025-01-19. Review status: criteria provided, single submitter. Criteria: Invitae Variant Classification Sherloc (09022015). Collection method: clinical testing. Allele origin: germline.
Comment: This sequence change affects an acceptor splice site in intron 8 of the ALPK3 gene. It is expected to disrupt RNA splicing. Variants that disrupt the donor or acceptor splice site typically lead to a loss of protein function (PMID: 16199547), and loss-of-function variants in ALPK3 are known to be pathogenic (PMID: 21441111, 26846950, 27106955, 34263907). This variant is not present in population databases (gnomAD no frequency). This variant has not been reported in the literature in individuals affected with ALPK3-related conditions. Algorithms developed to predict the effect of sequence changes on RNA splicing suggest that this variant may disrupt the consensus splice site. In summary, the currently available evidence indicates that the variant is pathogenic, but additional data are needed to prove that conclusively. Therefore, this variant has been classified as Likely Pathogenic.

GeneDx
Classification: Likely pathogenic. Last evaluated: 2024-11-30. Review status: criteria provided, single submitter. Criteria: GeneDx Variant Classification Process June 2021. Collection method: clinical testing. Allele origin: germline. Affected: yes.
Comment: Canonical splice site variant predicted to result in an in-frame loss of the adjacent exon in a gene for which loss of function is a known mechanism of disease; Not observed at significant frequency in large population cohorts (gnomAD); Has not been previously published as pathogenic or benign to our knowledge

Literature cited by the submitters: PubMed 16199547 (cited by Labcorp Genetics (formerly Invitae), Labcorp); PubMed 21441111 (cited by Labcorp Genetics (formerly Invitae), Labcorp); PubMed 26846950 (cited by Labcorp Genetics (formerly Invitae), Labcorp); PubMed 27106955 (cited by Labcorp Genetics (formerly Invitae), Labcorp); PubMed 34263907 (cited by Labcorp Genetics (formerly Invitae), Labcorp).